The following is an entry in ClinVar:

NM_001267550.2(TTN):c.68791A>C (p.Ser22931Arg)

Genes: TTN-AS1 (TTN antisense RNA 1; plus strand), TTN (titin; minus strand). Cytogenetic location: 2q31.2.
Variant type: single nucleotide variant.
Coding change: c.68791A>C on transcript NM_001267550.2 (MANE Select); coding-DNA position 68791, A replaced by C.
Protein change: p.Ser22931Arg; replaces serine 22931 with arginine.
Molecular consequence: missense variant.
Genome position (GRCh38, 1-based): chr2:178,577,635, T>G on the plus strand (A>C on the coding strand, the complement: TTN is on the minus strand). VCF-style: chr2-178577635-T-G. GRCh37 (hg19) VCF-style: chr2-179442362-T-G.
Other names: p.S21290R:AGT>CGT; c.63868A>C, p.Ser21290Arg (NM_001256850.1); c.41596A>C, p.Ser13866Arg (NM_003319.4); c.61087A>C, p.Ser20363Arg (NM_133378.4); c.41971A>C, p.Ser13991Arg (NM_133432.3); c.42172A>C, p.Ser14058Arg (NM_133437.4); short protein forms S21290R, S22931R, S13991R, S13866R, S14058R, S20363R.
Identifiers: ClinVar variation 202817 (VCV000202817.4), dbSNP rs794729484, ClinGen allele CA310379.

ClinVar aggregate classification (germline): Uncertain significance. Review status: criteria provided, multiple submitters, no conflicts (2 of 4 stars). 3 submissions from 3 submitters: Uncertain significance (3). Last evaluated 2026-06-29.

Conditions:
TTN-related disorder. Also called: TTN-related condition; TTN-related disease; TTN-related disorders.
Early-onset myopathy with fatal cardiomyopathy (CMYO5). Also called: Salih Myopathy; CONGENITAL MYOPATHY 5 WITH CARDIOMYOPATHY. Identifiers: Orphanet 289377, MedGen C2673677, MONDO:0012714, OMIM 611705. Disease mechanism: loss of function.
Dilated cardiomyopathy 1G (CMD1G). Identifiers: Orphanet 154, MedGen C1858763, MONDO:0011400, OMIM 604145.
Autosomal recessive limb-girdle muscular dystrophy type 2J (LGMDR10). Also called: Limb-girdle muscular dystrophy, type 2J; MUSCULAR DYSTROPHY, LIMB-GIRDLE, AUTOSOMAL RECESSIVE 10. Identifiers: Orphanet 140922, MedGen C1837342, MONDO:0012127, OMIM 608807.
Tibial muscular dystrophy (TMD). Also called: Tibial muscular dystrophy, tardive; Udd Distal Myopathy – Tibial Muscular Dystrophy; UDD MYOPATHY. Identifiers: Orphanet 609, MedGen C1838244, MONDO:0010870, OMIM 600334.
Myopathy, myofibrillar, 9, with early respiratory failure (MFM9). Also called: Myopathy, distal, with early respiratory failure, autosomal dominant; MYOPATHY, PROXIMAL, WITH EARLY RESPIRATORY MUSCLE INVOLVEMENT; Hereditary myopathy with early respiratory failure; EDSTROM MYOPATHY. Identifiers: Orphanet 178464, Orphanet 34521, MedGen C1863599, MONDO:0011362, OMIM 603689.
Hypertrophic cardiomyopathy 9. Also called: Familial hypertrophic cardiomyopathy 9. Identifiers: MedGen C1861065, MONDO:0013412, OMIM 613765.

Allele frequency attached by ClinVar (database versions not stated): gnomAD exomes below 0.00001; TOPMed 0.00002; gnomAD 0.00003 and 0.00004.
gnomAD v4.1: 9 of 1,612,034 alleles (0.00056%); highest among the groups gnomAD compares: African/African-American, 0.011%; no homozygotes.

Submissions (3):

PreventionGenetics, part of Exact Sciences
Classification: Uncertain significance for TTN-related condition. Last evaluated: 2026-06-29. Review status: criteria provided, single submitter. Criteria: ACMG Guidelines, 2015. Collection method: clinical testing. Allele origin: germline.
Comment: The TTN c.68791A>C variant is predicted to result in the amino acid substitution p.Ser22931Arg. To our knowledge, this variant has not been reported in the literature. This variant is reported in 0.011% of alleles in individuals of African descent in gnomAD. At this time, the clinical significance of this variant is uncertain due to the absence of conclusive functional and genetic evidence.

Fulgent Genetics
Classification: Uncertain significance for Tibial muscular dystrophy; Myopathy, myofibrillar, 9, with early respiratory failure; Dilated cardiomyopathy 1G; Autosomal recessive limb-girdle muscular dystrophy type 2J; Early-onset myopathy with fatal cardiomyopathy; Hypertrophic cardiomyopathy 9. Last evaluated: 2018-10-31. Review status: criteria provided, single submitter. Criteria: ACMG Guidelines, 2015. Collection method: clinical testing. Allele origin: unknown.

GeneDx
Classification: Uncertain significance. Last evaluated: 2013-09-11. Review status: criteria provided, single submitter. Criteria: GeneDx Variant Classification (06012015). Collection method: clinical testing. Allele origin: germline. Affected: yes.
Comment: Missense variants in the TTN gene are considered 'unclassified' if they are not previously reported in the literature and do not have >1% frequency in the population to be considered a polymorphism. Research indicates that truncating mutations in the TTN gene are expected to account for approximately 25% of familial and 18% of sporadic idiopathic DCM; however, truncating variants in the TTN gene have been reported in approximately 3% of reported control alleles. There has been little investigation into non-truncating variants. (Herman D et al. Truncations of titin causing dilated cardiomyopathy. N Eng J Med 366:619-628, 2012) The variant is found in DCM panel(s).